The following is an entry in ClinVar:

NM_006030.4(CACNA2D2):c.1746G>A (p.Ala582=)

Gene: CACNA2D2 (calcium voltage-gated channel auxiliary subunit alpha2delta 2; minus strand). Cytogenetic location: 3p21.31.
Variant type: single nucleotide variant.
Coding change: c.1746G>A on transcript NM_006030.4 (MANE Select); coding-DNA position 1746, G replaced by A.
Protein change: p.Ala582=; no amino-acid change (alanine 582 retained).
Molecular consequence: synonymous variant.
Genome position (GRCh38, 1-based): chr3:50,375,990, C>T on the plus strand (G>A on the coding strand, the complement: CACNA2D2 is on the minus strand). VCF-style: chr3-50375990-C-T. GRCh37 (hg19) VCF-style: chr3-50413421-C-T.
Other names: c.1746G>A, p.Ala582= (NM_001005505.3, NM_001174051.3); c.1539G>A, p.Ala513= (NM_001291101.1).
Identifiers: ClinVar variation 240275 (VCV000240275.9), dbSNP rs373700024, ClinGen allele CA2418747.

ClinVar aggregate classification (germline): Likely benign. Review status: criteria provided, single submitter (1 of 4 stars). 2 submissions from 2 submitters: Likely benign (1). 1 of the submissions does not count toward it. Last evaluated 2025-11-17.

Conditions:
CACNA2D2-related disorder. Also called: CACNA2D2-related condition.
Early-infantile DEE. Also called: Early infantile epileptic encephalopathy with suppression bursts; Early infantile epileptic encephalopathy; Ohtahara syndrome. Identifiers: Orphanet 1934, MedGen C0393706, MONDO:0800491.

Allele frequency attached by ClinVar (database versions not stated): TOPMed 0.00004; ESP Exome Variant Server 0.00015.
gnomAD v4.1: 51 of 1,613,260 alleles (0.0032%); highest among the groups gnomAD compares: Admixed American, 0.013%; no homozygotes.

Submissions (2):

Labcorp Genetics (formerly Invitae), Labcorp
Classification: Likely benign for Early-infantile DEE. Last evaluated: 2025-11-17. Review status: criteria provided, single submitter. Criteria: Invitae Variant Classification Sherloc (09022015). Collection method: clinical testing. Allele origin: germline.

PreventionGenetics, part of Exact Sciences
Classification: Likely benign for CACNA2D2-related condition. Last evaluated: 2024-05-13. Review status: no assertion criteria provided. Collection method: clinical testing. Allele origin: germline. Not counted in ClinVar's aggregate classification.
Comment: This variant is classified as likely benign based on ACMG/AMP sequence variant interpretation guidelines (Richards et al. 2015 PMID: 25741868, with internal and published modifications).